The following is an entry in ClinVar:

NM_000218.3(KCNQ1):c.1514+10574del

Genes: KCNQ1 (potassium voltage-gated channel subfamily Q member 1; plus strand), KCNQ1OT1 (KCNQ1 opposite strand/antisense transcript 1; minus strand). Cytogenetic location: 11p15.5.
Variant type: Deletion.
Coding change: c.1514+10574del on transcript NM_000218.3 (MANE Select); 10574 bases into the intron after coding-DNA position 1514, one base deleted (A; older notation c.1514+10574delA).
Molecular consequence: intron variant. On other transcripts: non-coding transcript variant (1).
Genome position (GRCh38, 1-based): chr11:2,672,655, A deleted. VCF-style (leftmost placement, unchanged base first): chr11-2672654-GA-G. GRCh37 (hg19) VCF-style: chr11-2693884-GA-G.
Other names: c.1244+10574del (NM_001406837.1); c.1418+10574del (NM_001406836.1); c.974+10574del (NM_001406838.1); c.1133+10574del (NM_181798.2).
Identifiers: ClinVar variation 4985308 (VCV004985308.1).

ClinVar aggregate classification (germline): Likely benign (1 of 4 stars; one submission).

Conditions:
KCNQ1-related disorder. Also called: KCNQ1-related disorders; KCNQ1-related condition. Identifiers: MedGen CN239322.

Submission:

PreventionGenetics, part of Exact Sciences
Classification: Likely benign for KCNQ1-related condition. Last evaluated: 2026-07-27. Review status: criteria provided, single submitter. Criteria: ACMG Guidelines, 2015. Collection method: clinical testing. Allele origin: germline.
Comment: This variant is classified as likely benign based on ACMG/AMP sequence variant interpretation guidelines (Richards et al. 2015 PMID: 25741868, with internal and published modifications).